The following is an entry in ClinVar:

ClinVar aggregate classification (germline): Pathogenic/Likely pathogenic. Review status: criteria provided, multiple submitters, no conflicts (2 of 4 stars). 2 submissions from 2 submitters: Pathogenic (1); Likely pathogenic (1). Last evaluated 2022-08-08.

Conditions:
Retinitis pigmentosa 25 (RP25). Identifiers: Orphanet 791, MedGen C1864446, MONDO:0011272, OMIM 602772.

Submissions (2):

Labcorp Genetics (formerly Invitae), Labcorp
Classification: Pathogenic. Last evaluated: 2022-08-08. Review status: criteria provided, single submitter. Criteria: Invitae Variant Classification Sherloc (09022015). Collection method: clinical testing. Allele origin: germline.
Comment: For these reasons, this variant has been classified as Pathogenic. ClinVar contains an entry for this variant (Variation ID: 1333618). This variant has not been reported in the literature in individuals affected with EYS-related conditions. This variant is not present in population databases (gnomAD no frequency). This sequence change creates a premature translational stop signal (p.Gln2105*) in the EYS gene. It is expected to result in an absent or disrupted protein product. Loss-of-function variants in EYS are known to be pathogenic (PMID: 18836446, 20333770).

3billion
Classification: Likely pathogenic for Retinitis pigmentosa 25. Last evaluated: 2022-01-03. Review status: criteria provided, single submitter. Criteria: ACMG Guidelines, 2015. Collection method: clinical testing. Allele origin: germline. Affected: yes. Observed: 1 heterozygote.
Comment: Stop-gained (nonsense): predicted to result in a loss or disruption of normal protein function through nonsense-mediated decay (NMD) or protein truncation. Multiple pathogenic variants are reported downstream of the variant (PVS1_VS).It is not observed in the gnomAD v2.1.1 dataset (PM2_M). Therefore, this variant is classified as likely pathogenic according to the recommendation of ACMG/AMP guideline.

Literature cited by the submitters: PubMed 18836446 (cited by Labcorp Genetics (formerly Invitae), Labcorp); PubMed 20333770 (cited by Labcorp Genetics (formerly Invitae), Labcorp).

NM_001142800.2(EYS):c.6313C>T (p.Gln2105Ter)

Gene: EYS (EGF-like photoreceptor maintenance factor; minus strand). Cytogenetic location: 6q12.
Variant type: single nucleotide variant.
Coding change: c.6313C>T on transcript NM_001142800.2 (MANE Select); coding-DNA position 6313, C replaced by T.
Protein change: p.Gln2105Ter; replaces glutamine 2105 with a stop codon.
Molecular consequence: nonsense.
Genome position (GRCh38, 1-based): chr6:64,230,703, G>A on the plus strand (C>T on the coding strand, the complement: EYS is on the minus strand). VCF-style: chr6-64230703-G-A. GRCh37 (hg19) VCF-style: chr6-64940596-G-A.
Other names: c.6313C>T, p.Gln2105Ter (NM_001292009.2); short protein forms Q2105*.
Identifiers: ClinVar variation 1333618 (VCV001333618.6), dbSNP rs1188834464, ClinGen allele CA364391380.